The following is an entry in ClinVar:

NM_006899.5(IDH3B):c.539G>A (p.Arg180Lys)

Gene: IDH3B (isocitrate dehydrogenase (NAD(+)) 3 non-catalytic subunit beta; minus strand). Cytogenetic location: 20p13.
Variant type: single nucleotide variant.
Coding change: c.539G>A on transcript NM_006899.5 (MANE Select); coding-DNA position 539, G replaced by A.
Protein change: p.Arg180Lys; replaces arginine 180 with lysine.
Molecular consequence: missense variant. On other transcripts: non-coding transcript variant (1).
Genome position (GRCh38, 1-based): chr20:2,660,583, C>T on the plus strand (G>A on the coding strand, the complement: IDH3B is on the minus strand). VCF-style: chr20-2660583-C-T. GRCh37 (hg19) VCF-style: chr20-2641229-C-T.
Other names: c.539G>A, p.Arg180Lys (NM_001258384.3, NM_001330763.2, NM_174855.4); short protein forms R180K.
Identifiers: ClinVar variation 857259 (VCV000857259.8), dbSNP rs376423227, ClinGen allele CA9735247.

ClinVar aggregate classification (germline): Conflicting classifications of pathogenicity. Review status: criteria provided, conflicting classifications (1 of 4 stars). 2 submissions from 2 submitters: Uncertain significance (1); Likely benign (1). Last evaluated 2024-11-05.

Allele frequency attached by ClinVar (database versions not stated): gnomAD exomes 0.00001 and 0.00003; ExAC 0.00003; ESP Exome Variant Server 0.00008; gnomAD 0.00015 and 0.00017; TOPMed 0.00017.
gnomAD v4.1: 34 of 1,614,036 alleles (0.0021%); highest among the groups gnomAD compares: African/African-American, 0.04%; no homozygotes.

Submissions (2):

Labcorp Genetics (formerly Invitae), Labcorp
Classification: Uncertain significance. Last evaluated: 2024-11-05. Review status: criteria provided, single submitter. Criteria: Invitae Variant Classification Sherloc (09022015). Collection method: clinical testing. Allele origin: germline.
Comment: This sequence change replaces arginine, which is basic and polar, with lysine, which is basic and polar, at codon 180 of the IDH3B protein (p.Arg180Lys). This variant is present in population databases (rs376423227, gnomAD 0.03%). This variant has not been reported in the literature in individuals affected with IDH3B-related conditions. ClinVar contains an entry for this variant (Variation ID: 857259). Invitae Evidence Modeling of protein sequence and biophysical properties (such as structural, functional, and spatial information, amino acid conservation, physicochemical variation, residue mobility, and thermodynamic stability) indicates that this missense variant is not expected to disrupt IDH3B protein function with a negative predictive value of 80%. In summary, the available evidence is currently insufficient to determine the role of this variant in disease. Therefore, it has been classified as a Variant of Uncertain Significance.

Blueprint Genetics
Classification: Likely benign. Last evaluated: 2022-09-20. Review status: criteria provided, single submitter. Criteria: ACMG Guidelines, 2015. Collection method: clinical testing. Allele origin: germline.